The following is an entry in ClinVar:

NM_032638.5(GATA2):c.880del (p.Glu294fs)

Gene: GATA2 (GATA binding protein 2; minus strand). Cytogenetic location: 3q21.3.
Variant type: Deletion.
Coding change: c.880del on transcript NM_032638.5 (MANE Select); coding-DNA position 880, one base deleted (G; older notation c.880delG).
Protein change: p.Glu294fs; shifts the reading frame from glutamic acid 294.
Molecular consequence: frameshift variant.
Genome position (GRCh38, 1-based): chr3:128,483,997, C deleted on the plus strand (G on the coding strand, the reverse complement: GATA2 is on the minus strand); the first of 3 consecutive C bases (chr3:128,483,997-128,483,999); deleting any one gives the same sequence. VCF-style (leftmost placement, unchanged base first): chr3-128483996-TC-T. GRCh37 (hg19) VCF-style: chr3-128202839-TC-T.
Other names: p.Glu294Serfs*32; c.880del, p.Glu294fs (NM_001145661.2, NM_001145662.1); short protein forms E294fs.
Identifiers: ClinVar variation 1343351 (VCV001343351.4), dbSNP rs2107670492, ClinGen allele CA2573052071.

ClinVar aggregate classification (germline): Pathogenic (1 of 4 stars; one submission).

Submission:

Mayo Clinic Laboratories, Mayo Clinic
Classification: Pathogenic. Last evaluated: 2021-08-24. Review status: criteria provided, single submitter. Criteria: ACMG Guidelines, 2015. Collection method: clinical testing. Allele origin: germline.
Comment: PM2, PVS1